The following is an entry in ClinVar:

NM_000441.2(SLC26A4):c.2206C>T (p.Gln736Ter)

Gene: SLC26A4 (solute carrier family 26 member 4; plus strand). Cytogenetic location: 7q22.3.
Variant type: single nucleotide variant.
Coding change: c.2206C>T on transcript NM_000441.2 (MANE Select); coding-DNA position 2206, C replaced by T.
Protein change: p.Gln736Ter; replaces glutamine 736 with a stop codon.
Molecular consequence: nonsense.
Genome position (GRCh38, 1-based): chr7:107,710,170, C>T. VCF-style: chr7-107710170-C-T. GRCh37 (hg19) VCF-style: chr7-107350615-C-T.
Other names: short protein forms Q736*.
Identifiers: ClinVar variation 391651 (VCV000391651.3), dbSNP rs1057524176, ClinGen allele CA16605106.

ClinVar aggregate classification (germline): Pathogenic. Review status: criteria provided, multiple submitters, no conflicts (2 of 4 stars). 2 submissions from 2 submitters: Pathogenic (2). Last evaluated 2024-05-08.

Conditions:
Pendred syndrome (PDS). Also called: THYROID DYSHORMONOGENESIS 2B; THYROID HORMONOGENESIS, GENETIC DEFECT IN, 2B; Pendred's syndrome; HYPOTHYROIDISM, CONGENITAL, DUE TO DYSHORMONOGENESIS, 2B; Pendred Syndrome (PDS); DEAFNESS WITH GOITER. Identifiers: Orphanet 705, MedGen C0271829, MONDO:0010134, OMIM 274600.

Allele frequency attached by ClinVar (database versions not stated): gnomAD exomes below 0.00001.

Submissions (2):

Myriad Genetics, Inc.
Classification: Pathogenic for Pendred syndrome. Last evaluated: 2024-05-08. Review status: criteria provided, single submitter. Criteria: Myriad Autosomal Dominant, Autosomal Recessive and X-Linked Classification Criteria (2023). Collection method: clinical testing. Allele origin: unknown.
Comment: NM_000441.1(SLC26A4):c.2206C>T(Q736*) is expected to be pathogenic in the context of Pendred syndrome. This variant is predicted to lead to an abnormal or absent protein product due to the creation of a premature termination codon in SLC26A4, a gene where loss-of-function variants are known to be pathogenic. Please note: this variant was assessed in the context of healthy population screening.

GeneDx
Classification: Pathogenic. Last evaluated: 2016-12-29. Review status: criteria provided, single submitter. Criteria: GeneDx Variant Classification (06012015). Collection method: clinical testing. Allele origin: germline. Affected: yes.
Comment: The Q736X pathogenic variant in the SLC26A4 gene has not been reported previously as a pathogenic variant, nor as a benign variant, to our knowledge. This variant is predicted to cause loss of normal protein function either through protein truncation or nonsense-mediated mRNA decay. The Q736X variant was not observed in approximately 6,500 individuals of European and African American ancestry in the NHLBI Exome Sequencing Project, indicating it is not a common benign variant in these populations. We interpret Q736X as a pathogenic variant.